The following is an entry in ClinVar:

ClinVar aggregate classification (germline): Uncertain significance. Review status: criteria provided, multiple submitters, no conflicts (2 of 4 stars). 3 submissions from 3 submitters: Uncertain significance (3). Last evaluated 2025-08-24.

Conditions:
Inborn genetic diseases. Identifiers: MedGen C0950123, MeSH D030342.

Allele frequency attached by ClinVar (database versions not stated): ExAC 0.00005; ESP Exome Variant Server 0.00008; TOPMed 0.00008; gnomAD 0.00009; 1000 Genomes Project 30x 0.00031; 1000 Genomes Project 0.00040.
gnomAD v4.1: 26 of 1,613,802 alleles (0.0016%); highest among the groups gnomAD compares: African/African-American, 0.023%; no homozygotes.

Submissions (3):

Ambry Genetics
Classification: Uncertain significance for Inborn genetic diseases. Last evaluated: 2025-08-24. Review status: criteria provided, single submitter. Criteria: Ambry Variant Classification Scheme 2023. Collection method: clinical testing. Allele origin: germline.

GeneDx
Classification: Uncertain significance. Last evaluated: 2024-01-12. Review status: criteria provided, single submitter. Criteria: GeneDx Variant Classification Process June 2021. Collection method: clinical testing. Allele origin: germline. Affected: yes.
Comment: In silico analysis supports that this missense variant does not alter protein structure/function; Has not been previously published as pathogenic or benign to our knowledge

Blueprint Genetics
Classification: Uncertain significance. Last evaluated: 2020-07-17. Review status: criteria provided, single submitter. Criteria: ACMG Guidelines, 2015. Collection method: clinical testing. Allele origin: germline.

NM_005422.4(TECTA):c.6252G>T (p.Arg2084Ser)

Genes: TBCEL-TECTA (TBCEL-TECTA readthrough; plus strand), TECTA (tectorin alpha; plus strand). Cytogenetic location: 11q23.3.
Variant type: single nucleotide variant.
Coding change: c.6252G>T on transcript NM_005422.4 (MANE Select); coding-DNA position 6252, G replaced by T.
Protein change: p.Arg2084Ser; replaces arginine 2084 with serine.
Molecular consequence: missense variant.
Genome position (GRCh38, 1-based): chr11:121,189,765, G>T. VCF-style: chr11-121189765-G-T. GRCh37 (hg19) VCF-style: chr11-121060474-G-T.
Other names: c.7194G>T, p.Arg2398Ser (NM_001378761.1); short protein forms R2084S, R2398S.
Identifiers: ClinVar variation 1712131 (VCV001712131.5), dbSNP rs140887380, ClinGen allele CA6327939.